The following is an entry in ClinVar:

NM_000234.3(LIG1):c.1430C>T (p.Pro477Leu)

Gene: LIG1 (DNA ligase 1; minus strand). Cytogenetic location: 19q13.33.
Variant type: single nucleotide variant.
Coding change: c.1430C>T on transcript NM_000234.3 (MANE Select); coding-DNA position 1430, C replaced by T.
Protein change: p.Pro477Leu; replaces proline 477 with leucine.
Molecular consequence: missense variant. On other transcripts: non-coding transcript variant (6).
Genome position (GRCh38, 1-based): chr19:48,135,773, G>A on the plus strand (C>T on the coding strand, the complement: LIG1 is on the minus strand). VCF-style: chr19-48135773-G-A. GRCh37 (hg19) VCF-style: chr19-48639030-G-A.
Other names: c.1337C>T, p.Pro446Leu (NM_001289063.2); c.1226C>T, p.Pro409Leu (NM_001289064.2); c.1427C>T, p.Pro476Leu (NM_001320970.2); c.1340C>T, p.Pro447Leu (NM_001320971.2); short protein forms P409L, P476L, P447L, P446L, P477L.
Identifiers: ClinVar variation 4760527 (VCV004760527.1).

ClinVar aggregate classification (germline): Uncertain significance (1 of 4 stars; one submission).

gnomAD v4.1: 3 of 1,613,866 alleles (0.00019%); highest among the groups gnomAD compares: Admixed American, 0.005%; no homozygotes.

Submission:

Labcorp Genetics (formerly Invitae), Labcorp
Classification: Uncertain significance. Last evaluated: 2026-01-06. Review status: criteria provided, single submitter. Criteria: Invitae Variant Classification Sherloc (09022015). Collection method: clinical testing. Allele origin: germline.
Comment: This sequence change replaces proline, which is neutral and non-polar, with leucine, which is neutral and non-polar, at codon 477 of the LIG1 protein (p.Pro477Leu). This variant is present in population databases (rs781173278, gnomAD 0.006%). This variant has not been reported in the literature in individuals affected with LIG1-related conditions. An algorithm developed to predict the effect of missense changes on protein structure and function (PolyPhen-2) suggests that this variant is likely to be disruptive. In summary, the available evidence is currently insufficient to determine the role of this variant in disease. Therefore, it has been classified as a Variant of Uncertain Significance.